The following is an entry in ClinVar:

NM_018670.4(MESP1):c.661G>T (p.Ala221Ser)

Genes: MESP1 (mesoderm posterior bHLH transcription factor 1; minus strand), LOC130057888 (ATAC-STARR-seq lymphoblastoid silent region 6803; plus strand). Cytogenetic location: 15q26.1.
Variant type: single nucleotide variant.
Coding change: c.661G>T on transcript NM_018670.4 (MANE Select); coding-DNA position 661, G replaced by T.
Protein change: p.Ala221Ser; replaces alanine 221 with serine.
Molecular consequence: missense variant.
Genome position (GRCh38, 1-based): chr15:89,750,571, C>A on the plus strand (G>T on the coding strand, the complement: MESP1 is on the minus strand). VCF-style: chr15-89750571-C-A. GRCh37 (hg19) VCF-style: chr15-90293802-C-A.
Other names: short protein forms A221S.
Identifiers: ClinVar variation 2197719 (VCV002197719.4), dbSNP rs776007359, ClinGen allele CA7730164.
Genomic context (GRCh38, chr15:89,750,571, plus strand): 5'-GGGACGGTGGGCTTGGCTCCATCGCCTGCCCTTCAGGGCACGCCGCCTCGGCGAACAGCG[C>A]AGGCGGGTCGCGCGGCTCGGGTGCAGCTCGGGCTCCGGGGCAGGCAGGCGGGGATCCCCA-3'
Protein context (NP_061140.1, residues 211-231): RAAPEPRDPP[Ala221Ser]LFAEAACPEG

ClinVar aggregate classification (germline): Uncertain significance (1 of 4 stars; one submission).

Allele frequency attached by ClinVar (database versions not stated): TOPMed 0.00001; ExAC 0.00009.

Submission:

Labcorp Genetics (formerly Invitae), Labcorp
Classification: Uncertain significance. Last evaluated: 2022-09-22. Review status: criteria provided, single submitter. Criteria: Invitae Variant Classification Sherloc (09022015). Collection method: clinical testing. Allele origin: germline.
Comment: The frequency data for this variant in the population databases is considered unreliable, as metrics indicate poor data quality at this position in the gnomAD database. In summary, the available evidence is currently insufficient to determine the role of this variant in disease. Therefore, it has been classified as a Variant of Uncertain Significance. Algorithms developed to predict the effect of missense changes on protein structure and function (SIFT, PolyPhen-2, Align-GVGD) all suggest that this variant is likely to be tolerated. This variant has not been reported in the literature in individuals affected with MESP1-related conditions. This sequence change replaces alanine, which is neutral and non-polar, with serine, which is neutral and polar, at codon 221 of the MESP1 protein (p.Ala221Ser).